The following is an entry in ClinVar:

ClinVar aggregate classification (germline): Conflicting classifications of pathogenicity. Review status: criteria provided, conflicting classifications (1 of 4 stars). 2 submissions from 2 submitters: Uncertain significance (1); Likely benign (1). Last evaluated 2026-05-18.

Conditions:
KMT2D-related disorder. Also called: KMT2D-Related Disorders.
Kabuki syndrome. Also called: NIIKAWA-KUROKI SYNDROME; Kabuki make-up syndrome. Identifiers: Orphanet 2322, MedGen C0796004, MONDO:0016512.

Allele frequency attached by ClinVar (database versions not stated): ESP Exome Variant Server 0.00016; 1000 Genomes Project 30x 0.00031; ExAC 0.00007.

Submissions (2):

PreventionGenetics, part of Exact Sciences
Classification: Uncertain significance for KMT2D-related condition. Last evaluated: 2026-05-18. Review status: criteria provided, single submitter. Criteria: ACMG Guidelines, 2015. Collection method: clinical testing. Allele origin: germline.
Comment: The KMT2D c.9500G>A variant is predicted to result in the amino acid substitution p.Arg3167Gln. To our knowledge, this variant has not been reported in the literature. This variant is reported in 0.041% of alleles in individuals of East Asian descent in gnomAD, which may be too common to be causative. At this time, the clinical significance of this variant is uncertain due to the absence of conclusive functional and genetic evidence.

Labcorp Genetics (formerly Invitae), Labcorp
Classification: Likely benign for Kabuki syndrome. Last evaluated: 2025-10-14. Review status: criteria provided, single submitter. Criteria: Invitae Variant Classification Sherloc (09022015). Collection method: clinical testing. Allele origin: germline.

NM_003482.4(KMT2D):c.9500G>A (p.Arg3167Gln)

Gene: KMT2D (lysine methyltransferase 2D; minus strand). Cytogenetic location: 12q13.12.
Variant type: single nucleotide variant.
Coding change: c.9500G>A on transcript NM_003482.4 (MANE Select); coding-DNA position 9500, G replaced by A.
Protein change: p.Arg3167Gln; replaces arginine 3167 with glutamine.
Molecular consequence: missense variant.
Genome position (GRCh38, 1-based): chr12:49,037,856, C>T on the plus strand (G>A on the coding strand, the complement: KMT2D is on the minus strand). VCF-style: chr12-49037856-C-T. GRCh37 (hg19) VCF-style: chr12-49431639-C-T.
Other names: c.9500G>A (NM_003482.3); short protein forms R3167Q.
Identifiers: ClinVar variation 1596351 (VCV001596351.9), dbSNP rs377384903, ClinGen allele CA6546684.
Genomic context (GRCh38, chr12:49,037,856, plus strand): 5'-GCCCCAAAGGAGGCCTTCTCAGCTGTGTGCCCACTGCTAGAAAATGGCCCTGTGCCCATC[C>T]GGGTATCCCGGCTGCCCATCATGCTCTGTCCTGGCTTTAGCCCCAGGCCAAGGGAATTGG-3'
Protein context (NP_003473.3, residues 3157-3177): GQSMMGSRDT[Arg3167Gln]MGTGPFSSSG